The following is an entry in ClinVar:

NM_198904.4(GABRG2):c.107+6A>T

Gene: GABRG2 (gamma-aminobutyric acid type A receptor subunit gamma2; plus strand). Cytogenetic location: 5q34.
Variant type: single nucleotide variant.
Coding change: c.107+6A>T on transcript NM_198904.4 (MANE Select); 6 bases into the intron after coding-DNA position 107, A replaced by T.
Molecular consequence: intron variant.
Genome position (GRCh38, 1-based): chr5:162,068,112, A>T. VCF-style: chr5-162068112-A-T. GRCh37 (hg19) VCF-style: chr5-161495118-A-T.
Other names: c.-300+6A>T (NM_001375349.1); c.107+6A>T (NM_001375343.1, NM_001375344.1, NM_001375340.1 and 5 more transcripts); c.-252+6A>T (NM_001375350.1, NM_001375348.1); c.41+6A>T (NM_001375346.1, NM_001375345.1); c.20+471A>T (NM_001375347.1).
Identifiers: ClinVar variation 1958201 (VCV001958201.5), dbSNP rs868452487, ClinGen allele CA564166554.

ClinVar aggregate classification (germline): Uncertain significance (1 of 4 stars; one submission).

Conditions:
EPILEPSY, CHILDHOOD ABSENCE, SUSCEPTIBILITY TO, 2 (ECA2). Identifiers: Orphanet 64280, MedGen C1843244, OMIM 607681.
Febrile seizures, familial, 8 (FEB8). Also called: CONVULSIONS, FAMILIAL FEBRILE, 8. Identifiers: Orphanet 36387, MedGen C1969810, MONDO:0011891, OMIM 607681.

gnomAD v4.1: 10 of 1,590,752 alleles (0.00063%); highest among the groups gnomAD compares: South Asian, 0.0099%; no homozygotes.

Submission:

Labcorp Genetics (formerly Invitae), Labcorp
Classification: Uncertain significance for Febrile seizures, familial, 8; EPILEPSY, CHILDHOOD ABSENCE, SUSCEPTIBILITY TO, 2. Last evaluated: 2022-11-29. Review status: criteria provided, single submitter. Criteria: Invitae Variant Classification Sherloc (09022015). Collection method: clinical testing. Allele origin: germline.
Comment: This sequence change falls in intron 1 of the GABRG2 gene. It does not directly change the encoded amino acid sequence of the GABRG2 protein. It affects a nucleotide within the consensus splice site. This variant is present in population databases (no rsID available, gnomAD 0.003%). This variant has not been reported in the literature in individuals affected with GABRG2-related conditions. Variants that disrupt the consensus splice site are a relatively common cause of aberrant splicing (PMID: 17576681, 9536098). Algorithms developed to predict the effect of sequence changes on RNA splicing suggest that this variant is not likely to affect RNA splicing. In summary, the available evidence is currently insufficient to determine the role of this variant in disease. Therefore, it has been classified as a Variant of Uncertain Significance.

Literature cited by the submitters: PubMed 17576681; PubMed 9536098.